The following is an entry in ClinVar:

ClinVar aggregate classification (germline): Uncertain significance (1 of 4 stars; one submission).

gnomAD v4.1: 1 of 1,613,694 alleles (0.000062%); highest among the groups gnomAD compares: South Asian, 0.0011%; no homozygotes.

Submission:

GeneDx
Classification: Uncertain significance. Last evaluated: 2025-07-02. Review status: criteria provided, single submitter. Criteria: GeneDx Variant Classification Process June 2021. Collection method: clinical testing. Allele origin: germline.
Comment: Not observed at significant frequency in large population cohorts (gnomAD); In silico analysis supports that this missense variant has a deleterious effect on protein structure/function; This substitution is predicted to be in the cytoplasmic loop between the first and second homologous domains.; Has not been previously published as pathogenic or benign to our knowledge

NM_001040142.2(SCN2A):c.1331C>G (p.Ala444Gly)

Gene: SCN2A (sodium voltage-gated channel alpha subunit 2; plus strand). Cytogenetic location: 2q24.3.
Variant type: single nucleotide variant.
Coding change: c.1331C>G on transcript NM_001040142.2 (MANE Select); coding-DNA position 1331, C replaced by G.
Protein change: p.Ala444Gly; replaces alanine 444 with glycine.
Molecular consequence: missense variant.
Genome position (GRCh38, 1-based): chr2:165,314,056, C>G. VCF-style: chr2-165314056-C-G. GRCh37 (hg19) VCF-style: chr2-166170566-C-G.
Other names: c.1331C>G, p.Ala444Gly (NM_001040143.2, NM_001371246.1, NM_001371247.1 and 1 more transcripts); short protein forms A444G.
Identifiers: ClinVar variation 3384341 (VCV003384341.2).